The following is an entry in ClinVar:

NM_001283009.2(RTEL1):c.695C>A (p.Ala232Asp)

Genes: RTEL1 (regulator of telomere elongation helicase 1; plus strand), RTEL1-TNFRSF6B (RTEL1-TNFRSF6B readthrough (NMD candidate); plus strand). Cytogenetic location: 20q13.33.
Variant type: single nucleotide variant.
Coding change: c.695C>A on transcript NM_001283009.2 (MANE Select); coding-DNA position 695, C replaced by A.
Protein change: p.Ala232Asp; replaces alanine 232 with aspartic acid.
Molecular consequence: missense variant. On other transcripts: non-coding transcript variant (1).
Genome position (GRCh38, 1-based): chr20:63,667,549, C>A. VCF-style: chr20-63667549-C-A. GRCh37 (hg19) VCF-style: chr20-62298902-C-A.
Other names: c.26C>A, p.Ala9Asp (NM_001283010.1); c.695C>A, p.Ala232Asp (NM_016434.4); c.767C>A, p.Ala256Asp (NM_032957.5); short protein forms A256D, A9D, A232D.
Identifiers: ClinVar variation 3791081 (VCV003791081.1).

ClinVar aggregate classification (germline): Uncertain significance (1 of 4 stars; one submission).

Conditions:
Inborn genetic diseases. Identifiers: MedGen C0950123, MeSH D030342.

Submission:

Ambry Genetics
Classification: Uncertain significance for Inborn genetic diseases. Last evaluated: 2025-01-20. Review status: criteria provided, single submitter. Criteria: Ambry Variant Classification Scheme 2023. Collection method: clinical testing. Allele origin: germline.
Comment: The p.A232D variant (also known as c.695C>A), located in coding exon 7 of the RTEL1 gene, results from a C to A substitution at nucleotide position 695. The alanine at codon 232 is replaced by aspartic acid, an amino acid with dissimilar properties. This amino acid position is conserved. In addition, this alteration is predicted to be tolerated by in silico analysis. Based on the available evidence, the clinical significance of this variant remains unclear.